The following is an entry in ClinVar:

ClinVar aggregate classification (germline): Benign. Review status: criteria provided, multiple submitters, no conflicts (2 of 4 stars). 2 submissions from 2 submitters: Benign (2). Last evaluated 2018-01-12.

Conditions:
Hypothyroidism, congenital, nongoitrous, 2 (CHNG2). Also called: Hypothyroidism, congenital, due to thyroid dysgenesis or hypoplasia. Identifiers: Orphanet 95712, MedGen C1869118, MONDO:0024264, OMIM 218700.

Allele frequency attached by ClinVar (database versions not stated): gnomAD exomes 0.19341; 1000 Genomes Project 0.24381; 1000 Genomes Project 30x 0.24672; TOPMed 0.26999; gnomAD 0.27018 and 0.28084.
gnomAD v4.1: 56,106 of 229,214 alleles (24%); highest among the groups gnomAD compares: African/African-American, 43%; 8,098 homozygotes.

Submissions (2):

Illumina Laboratory Services, Illumina
Classification: Benign for Hypothyroidism, congenital, nongoitrous, 2. Last evaluated: 2018-01-12. Review status: criteria provided, single submitter. Criteria: ICSL Variant Classification Criteria 13 December 2019. Collection method: clinical testing. Allele origin: germline.
Comment: This variant was observed in the ICSL laboratory as part of a predisposition screen in an ostensibly healthy population. It had not been previously curated by ICSL or reported in the Human Gene Mutation Database (HGMD: prior to June 1st, 2018), and was therefore a candidate for classification through an automated scoring system. Utilizing variant allele frequency, disease prevalence and penetrance estimates, and inheritance mode, an automated score was calculated to assess if this variant is too frequent to cause the disease. Based on the score and internal cut-off values, a variant classified as benign is not then subjected to further curation. The score for this variant resulted in a classification of benign for this disease.

Breakthrough Genomics
Classification: Benign. Review status: criteria provided, single submitter. Criteria: ACMG Guidelines, 2015. Collection method: not provided. Allele origin: germline. Inheritance: Autosomal dominant inheritance. Affected: yes.

NM_003466.4(PAX8):c.*1044A>C

Gene: PAX8 (paired box 8; minus strand). Cytogenetic location: 2q14.1.
Variant type: single nucleotide variant.
Coding change: c.*1044A>C on transcript NM_003466.4 (MANE Select); 1044 bases downstream of the stop codon, A replaced by C.
Molecular consequence: 3 prime UTR variant.
Genome position (GRCh38, 1-based): chr2:113,217,489, T>G on the plus strand (A>C on the coding strand, the complement: PAX8 is on the minus strand). VCF-style: chr2-113217489-T-G. GRCh37 (hg19) VCF-style: chr2-113975066-T-G.
Other names: c.*1121A>C (NM_013952.4, NM_013953.4, NM_013992.4).
Identifiers: ClinVar variation 330868 (VCV000330868.6), dbSNP rs1478, ClinGen allele CA10612022.
Genomic context (GRCh38, chr2:113,217,489, plus strand): 5'-AAGGAGAGAAGCCCCACAGGGCAAAGAGAGACATTTCACTCAGAGGCCAAAGTCTGGGGG[T>G]TAGAAAGAAGGAAGCTTGACCCAAACAAAGTTTCATTTACAGTATATACAGTCAGGCCTT-3'